The following is an entry in ClinVar:

ClinVar aggregate classification (germline): Likely pathogenic (1 of 4 stars; one submission).

Conditions:
Rhizomelic chondrodysplasia punctata type 3 (RCDP3). Also called: ALKYLDIHYDROXYACETONEPHOSPHATE SYNTHASE DEFICIENCY; Alkylglycerone Phosphate Synthase (AGPS) deficiency. Identifiers: Orphanet 177, Orphanet 309803, MedGen C1838612, MONDO:0010823, OMIM 600121. Disease mechanism: loss of function.

Submission:

Natera, Inc.
Classification: Likely pathogenic for Rhizomelic chondrodysplasia punctata, type 3. Last evaluated: 2024-02-21. Review status: criteria provided, single submitter. Criteria: Natera Variant Classification Schema (03/2026). Collection method: clinical testing. Allele origin: germline.
Comment: The c.1286delG variant in AGPS is a frameshift variant predicted to shift the reading frame beginning at codon 429 and leads to a stop codon 19 codons downstream. This variant is expected to result in nonsense mediated decay, truncation, or a dysfunctional protein product. This variant is rare in the general population with a frequency below the threshold expected for the associated phenotype(s). Given the available evidence, this variant is classified as Likely Pathogenic.

NM_003659.3(AGPS):c.1286delG

Gene: AGPS (alkylglycerone phosphate synthase; plus strand). Cytogenetic location: 2q31.2.
Variant type: Deletion.
Coding change: c.1286delG on transcript NM_003659.3; coding-DNA position 1286, one base deleted (G).
Genome position (GRCh38, 1-based): chr2:177,497,689, G deleted; the last of 2 consecutive G bases (chr2:177,497,688-177,497,689); deleting either gives the same sequence. VCF-style (leftmost placement, unchanged base first): chr2-177497687-AG-A. GRCh37 (hg19) VCF-style: chr2-178362415-AG-A.
Identifiers: ClinVar variation 4815255 (VCV004815255.1).